The following is an entry in ClinVar:

ClinVar aggregate classification (germline): Uncertain significance (1 of 4 stars; one submission).

Conditions:
Fanconi anemia (FA). Also called: Fanconi's anemia. Identifiers: Orphanet 84, MedGen C0015625, MeSH D005199, MONDO:0019391.

Submission:

Labcorp Genetics (formerly Invitae), Labcorp
Classification: Uncertain significance for Fanconi anemia. Last evaluated: 2024-02-12. Review status: criteria provided, single submitter. Criteria: Invitae Variant Classification Sherloc (09022015). Collection method: clinical testing. Allele origin: germline.
Comment: This sequence change replaces lysine, which is basic and polar, with threonine, which is neutral and polar, at codon 1640 of the FANCM protein (p.Lys1640Thr). This variant is not present in population databases (gnomAD no frequency). This variant has not been reported in the literature in individuals affected with FANCM-related conditions. Algorithms developed to predict the effect of missense changes on protein structure and function output the following: SIFT: "Not Available"; PolyPhen-2: "Benign"; Align-GVGD: "Not Available". The threonine amino acid residue is found in multiple mammalian species, which suggests that this missense change does not adversely affect protein function. In summary, the available evidence is currently insufficient to determine the role of this variant in disease. Therefore, it has been classified as a Variant of Uncertain Significance.

NM_020937.4(FANCM):c.4919A>C (p.Lys1640Thr)

Gene: FANCM (FA complementation group M; plus strand). Cytogenetic location: 14q21.2.
Variant type: single nucleotide variant.
Coding change: c.4919A>C on transcript NM_020937.4 (MANE Select); coding-DNA position 4919, A replaced by C.
Protein change: p.Lys1640Thr; replaces lysine 1640 with threonine.
Molecular consequence: missense variant.
Genome position (GRCh38, 1-based): chr14:45,188,941, A>C. VCF-style: chr14-45188941-A-C. GRCh37 (hg19) VCF-style: chr14-45658144-A-C.
Other names: c.4841A>C, p.Lys1614Thr (NM_001308133.2); short protein forms K1640T, K1614T.
Identifiers: ClinVar variation 3702901 (VCV003702901.2).